The following is an entry in ClinVar:

ClinVar aggregate classification (germline): Benign. Review status: criteria provided, multiple submitters, no conflicts (2 of 4 stars). 4 submissions from 4 submitters: Benign (4). Last evaluated 2024-07-15.

Conditions:
Nephrotic syndrome, type 3 (NPHS3). Also called: NEPHROTIC SYNDROME, EARLY-ONSET, TYPE 3. Identifiers: Orphanet 656, MedGen C1853124, MONDO:0012546, OMIM 610725.

Allele frequency attached by ClinVar (database versions not stated): 1000 Genomes Project 30x 0.23641; 1000 Genomes Project 0.23642; TOPMed 0.26027; gnomAD 0.26283 and 0.26319; gnomAD exomes 0.26511 and 0.29124; ExAC 0.26565; ESP Exome Variant Server 0.27463.
gnomAD v4.1: 416,058 of 1,441,692 alleles (29%); highest among the groups gnomAD compares: Middle Eastern, 41%; 61,930 homozygotes.

Submissions (4):

Unidad de Genómica Garrahan, Hospital de Pediatría Garrahan
Classification: Benign. Last evaluated: 2024-07-15. Review status: criteria provided, single submitter. Criteria: ACMG Guidelines, 2015. Collection method: clinical testing. Allele origin: germline. Affected: no. Observed: 31 variant alleles.
Comment: This variant is classified as Benign based on local population frequency. This variant was detected in 33% of patients studied in a panel designed for Epileptic and Developmental Encephalopathy and Progressive Myoclonus Epilepsy. Number of patients: 31. Only high quality variants are reported.

Genome-Nilou Lab
Classification: Benign for Nephrotic syndrome, type 3. Last evaluated: 2021-10-25. Review status: criteria provided, single submitter. Criteria: ACMG Guidelines, 2015. Collection method: clinical testing. Allele origin: germline. Affected: no.

GeneDx
Classification: Benign. Last evaluated: 2018-11-12. Review status: criteria provided, single submitter. Criteria: GeneDx Variant Classification Process June 2021. Collection method: clinical testing. Allele origin: germline. Affected: yes.

Breakthrough Genomics
Classification: Benign. Review status: criteria provided, single submitter. Criteria: ACMG Guidelines, 2015. Collection method: not provided. Allele origin: germline. Inheritance: Autosomal recessive inheritance. Affected: yes.

NM_016341.4(PLCE1):c.6003+24A>G

Gene: PLCE1 (phospholipase C epsilon 1; plus strand). Cytogenetic location: 10q23.33.
Variant type: single nucleotide variant.
Coding change: c.6003+24A>G on transcript NM_016341.4 (MANE Select); 24 bases into the intron after coding-DNA position 6003, A replaced by G.
Molecular consequence: intron variant.
Genome position (GRCh38, 1-based): chr10:94,308,723, A>G. VCF-style: chr10-94308723-A-G. GRCh37 (hg19) VCF-style: chr10-96068480-A-G.
Other names: c.5955+24A>G (NM_001288989.2); c.5079+24A>G (NM_001165979.2).
Identifiers: ClinVar variation 1254965 (VCV001254965.7), dbSNP rs11187850, ClinGen allele CA5613458.